The following is an entry in ClinVar:

ClinVar aggregate classification (germline): Uncertain significance (1 of 4 stars; one submission).

Submission:

CeGaT Center for Human Genetics Tuebingen
Classification: Uncertain significance. Last evaluated: 2026-08-01. Review status: criteria provided, single submitter. Criteria: CeGaT Center For Human Genetics Tuebingen Variant Classification Criteria Version 2. Collection method: clinical testing. Allele origin: germline. Affected: yes. Observed: 1 variant allele.
Comment: DDX23: PM2

NM_004818.3(DDX23):c.119C>T (p.Pro40Leu)

Gene: DDX23 (DEAD-box helicase 23; minus strand). Cytogenetic location: 12q13.12.
Variant type: single nucleotide variant.
Coding change: c.119C>T on transcript NM_004818.3 (MANE Select); coding-DNA position 119, C replaced by T.
Protein change: p.Pro40Leu; replaces proline 40 with leucine.
Molecular consequence: missense variant.
Genome position (GRCh38, 1-based): chr12:48,845,664, G>A on the plus strand (C>T on the coding strand, the complement: DDX23 is on the minus strand). VCF-style: chr12-48845664-G-A. GRCh37 (hg19) VCF-style: chr12-49239447-G-A.
Other names: short protein forms P40L.
Identifiers: ClinVar variation 5039807 (VCV005039807.1).